The following is an entry in ClinVar:

ClinVar aggregate classification (germline): Conflicting classifications of pathogenicity. Review status: criteria provided, conflicting classifications (1 of 4 stars). 8 submissions from 8 submitters: Uncertain significance (1); Benign (6). 1 of the submissions does not count toward it. Last evaluated 2026-02-04.

Conditions:
Autosomal recessive nonsyndromic hearing loss 9. Also called: NEUROSENSORY NONSYNDROMIC RECESSIVE DEAFNESS 9; OTOF-Related Hearing Loss; Deafness, autosomal recessive 9; AUDITORY NEUROPATHY, AUTOSOMAL RECESSIVE, 1, TEMPERATURE-SENSITIVE. Identifiers: Orphanet 90636, MedGen C1832828, MONDO:0010986, OMIM 601071.

Allele frequency attached by ClinVar (database versions not stated): ESP Exome Variant Server 0.01907; 1000 Genomes Project 30x 0.00671; 1000 Genomes Project 0.00699; TOPMed 0.01471; gnomAD 0.01502 and 0.01570; ExAC 0.01458.
gnomAD v4.1: 30,799 of 1,613,148 alleles (1.9%); highest among the groups gnomAD compares: Non-Finnish European, 2.2%; 374 homozygotes.

Submissions (8):

Labcorp Genetics (formerly Invitae), Labcorp
Classification: Benign. Last evaluated: 2026-02-04. Review status: criteria provided, single submitter. Criteria: Invitae Variant Classification Sherloc (09022015). Collection method: clinical testing. Allele origin: germline.

ARUP Laboratories, Molecular Genetics and Genomics, ARUP Laboratories
Classification: Benign. Last evaluated: 2023-10-06. Review status: criteria provided, single submitter. Criteria: ARUP Molecular Germline Variant Investigation Process 2024. Collection method: clinical testing. Allele origin: germline.

Mayo Clinic Laboratories, Mayo Clinic
Classification: Benign. Last evaluated: 2021-02-19. Review status: criteria provided, single submitter. Criteria: ACMG Guidelines, 2015. Collection method: clinical testing. Allele origin: germline. Observed: 11 variant alleles.

Athena Diagnostics
Classification: Benign. Last evaluated: 2018-08-31. Review status: criteria provided, single submitter. Criteria: Athena Diagnostics Criteria. Collection method: clinical testing. Allele origin: germline.

GeneDx
Classification: Benign. Last evaluated: 2018-07-16. Review status: criteria provided, single submitter. Criteria: GeneDx Variant Classification Process June 2021. Collection method: clinical testing. Allele origin: germline. Affected: yes.
Comment: This variant is associated with the following publications: (PMID: 16371502, 18381613, 20301429)

Illumina Laboratory Services, Illumina
Classification: Uncertain significance for Autosomal recessive nonsyndromic hearing loss 9. Last evaluated: 2018-01-13. Review status: criteria provided, single submitter. Criteria: ICSL Variant Classification Criteria 13 December 2019. Collection method: clinical testing. Allele origin: germline.

Laboratory for Molecular Medicine, Mass General Brigham Personalized Medicine
Classification: Benign. Last evaluated: 2010-10-18. Review status: criteria provided, single submitter. Criteria: LMM Criteria. Collection method: clinical testing. Allele origin: germline. Observed: 65 variant alleles.
Comment: Ala1063Ala in exon 26 of OTOF: This variant is not expected to have clinical sig nificance because it does not alter an amino acid residue, is not located near a splice junction, is listed in dbSNP with a frequency of 1/118 (.8%) in the YRI West African population (rs116649108), is reported as benign in two publication (Varga 2006, Rodriguez-Ballesteros 2008) and has been identified in 5/211 (2.4%) probands tested by our laboratory (at least 2 have Usher syndrome).

GeneReviews
No classification provided. Condition: Autosomal recessive nonsyndromic hearing loss 9. Review status: no classification provided. Collection method: literature only. Allele origin: unknown. Not counted in ClinVar's aggregate classification.

Literature cited by the submitters: PubMed 16371502 (cited by Athena Diagnostics and Laboratory for Molecular Medicine, Mass General Brigham Personalized Medicine); PubMed 18381613 (cited by Laboratory for Molecular Medicine, Mass General Brigham Personalized Medicine); PubMed 20301429 (cited by GeneReviews); NCBI Bookshelf NBK1251 (cited by GeneReviews).

NM_194248.3(OTOF):c.3189G>A (p.Ala1063=)

Gene: OTOF (otoferlin; minus strand). Cytogenetic location: 2p23.3.
Variant type: single nucleotide variant.
Coding change: c.3189G>A on transcript NM_194248.3 (MANE Select); coding-DNA position 3189, G replaced by A.
Protein change: p.Ala1063=; no amino-acid change (alanine 1063 retained).
Molecular consequence: synonymous variant.
Genome position (GRCh38, 1-based): chr2:26,474,612, C>T on the plus strand (G>A on the coding strand, the complement: OTOF is on the minus strand). VCF-style: chr2-26474612-C-T. GRCh37 (hg19) VCF-style: chr2-26697480-C-T.
Other names: p.Ala1063=; c.3189G>A, p.Ala1063= (NM_001287489.2); c.948G>A, p.Ala316= (NM_004802.4, NM_194323.3); c.1119G>A, p.Ala373= (NM_194322.3).
Identifiers: ClinVar variation 21843 (VCV000021843.31), dbSNP rs80356573, ClinGen allele CA142844.